The following is an entry in ClinVar:

ClinVar aggregate classification (germline): Likely benign. Review status: criteria provided, multiple submitters, no conflicts (2 of 4 stars). 3 submissions from 3 submitters: Likely benign (3). Last evaluated 2026-07-21.

Conditions:
Cardiovascular phenotype. Identifiers: MedGen CN230736.

Submissions (3):

Ambry Genetics
Classification: Likely benign for Cardiovascular phenotype. Last evaluated: 2026-07-21. Review status: criteria provided, single submitter. Criteria: Ambry Variant Classification Scheme 2023. Collection method: clinical testing. Allele origin: germline.

Molecular Diagnostic Laboratory for Inherited Cardiovascular Disease, Montreal Heart Institute
Classification: Likely benign. Last evaluated: 2026-03-27. Review status: criteria provided, single submitter. Criteria: ACMG Guidelines, 2015. Collection method: clinical testing. Allele origin: germline. Affected: no.
Comment: BP7

Blueprint Genetics
Classification: Likely benign. Last evaluated: 2021-09-30. Review status: criteria provided, single submitter. Criteria: ACMG Guidelines, 2015. Collection method: clinical testing. Allele origin: germline.

NM_001267550.2(TTN):c.8763T>A (p.Ile2921=)

Gene: TTN (titin; minus strand). Cytogenetic location: 2q31.2.
Variant type: single nucleotide variant.
Coding change: c.8763T>A on transcript NM_001267550.2 (MANE Select); coding-DNA position 8763, T replaced by A.
Protein change: p.Ile2921=; no amino-acid change (isoleucine 2921 retained).
Molecular consequence: synonymous variant.
Genome position (GRCh38, 1-based): chr2:178,769,818, A>T on the plus strand (T>A on the coding strand, the complement: TTN is on the minus strand). VCF-style: chr2-178769818-A-T. GRCh37 (hg19) VCF-style: chr2-179634545-A-T.
Other names: c.8763T>A, p.Ile2921= (NM_001256850.1, NM_133378.4, NM_133379.5); c.8625T>A, p.Ile2875= (NM_003319.4, NM_133432.3, NM_133437.4).
Identifiers: ClinVar variation 4820483 (VCV004820483.3).